The following is an entry in ClinVar:

ClinVar aggregate classification (germline): Uncertain significance (1 of 4 stars; one submission).

Conditions:
Pitt-Hopkins-like syndrome 2 (PTHSL2). Identifiers: Orphanet 221150, Orphanet 600663, MedGen C3280479, MONDO:0013690, OMIM 614325.

gnomAD v4.1: 1 of 1,613,594 alleles (0.000062%); highest among the groups gnomAD compares: South Asian, 0.0011%; no homozygotes.

Submission:

Labcorp Genetics (formerly Invitae), Labcorp
Classification: Uncertain significance for Pitt-Hopkins-like syndrome 2. Last evaluated: 2023-04-18. Review status: criteria provided, single submitter. Criteria: Invitae Variant Classification Sherloc (09022015). Collection method: clinical testing. Allele origin: germline.
Comment: This sequence change replaces threonine, which is neutral and polar, with isoleucine, which is neutral and non-polar, at codon 806 of the NRXN1 protein (p.Thr806Ile). This variant is not present in population databases (gnomAD no frequency). This variant has not been reported in the literature in individuals affected with NRXN1-related conditions. An algorithm developed to predict the effect of missense changes on protein structure and function (PolyPhen-2) suggests that this variant is likely to be disruptive. In summary, the available evidence is currently insufficient to determine the role of this variant in disease. Therefore, it has been classified as a Variant of Uncertain Significance.

NM_001330078.2(NRXN1):c.2297C>T (p.Thr766Ile)

Gene: NRXN1 (neurexin 1; minus strand). Cytogenetic location: 2p16.3.
Variant type: single nucleotide variant.
Coding change: c.2297C>T on transcript NM_001330078.2 (MANE Select); coding-DNA position 2297, C replaced by T.
Protein change: p.Thr766Ile; replaces threonine 766 with isoleucine.
Molecular consequence: missense variant.
Genome position (GRCh38, 1-based): chr2:50,531,277, G>A on the plus strand (C>T on the coding strand, the complement: NRXN1 is on the minus strand). VCF-style: chr2-50531277-G-A. GRCh37 (hg19) VCF-style: chr2-50758415-G-A.
Other names: c.2258C>T, p.Thr753Ile (NM_001330083.2, NM_001330084.2); c.2297C>T, p.Thr766Ile (NM_001330085.2, NM_001330086.2, NM_004801.6); c.2213C>T, p.Thr738Ile (NM_001330087.2, NM_001330096.2); c.2243C>T, p.Thr748Ile (NM_001330088.2); c.2294C>T, p.Thr765Ile (NM_001330093.2); c.2285C>T, p.Thr762Ile (NM_001330094.2); c.2273C>T, p.Thr758Ile (NM_001330095.2, NM_001330077.2, NM_001330082.2); c.2417C>T, p.Thr806Ile (NM_001135659.3); short protein forms T748I, T762I, T758I, T806I, T738I, T753I, T765I, T766I.
Identifiers: ClinVar variation 2857422 (VCV002857422.3), dbSNP rs1481154565, ClinGen allele CA346769497.
Genomic context (GRCh38, chr2:50,531,277, plus strand): 5'-AGGTTGTTACCTAGATTGACCGTCAGTTTCACACGTCCTGCGTCTAGCTCCAGGCGGAGG[G>A]TGTCAGCAGAGTCTCTAGAAGTGGTTGCCATCAGAATGCCATATGCACGCTGGGATCGGA-3'
Protein context (NP_001317007.1, residues 756-776): MATTSRDSAD[Thr766Ile]LRLELDAGRV